The following is an entry in ClinVar:

ClinVar aggregate classification (germline): Conflicting classifications of pathogenicity. Review status: criteria provided, conflicting classifications (1 of 4 stars). 6 submissions from 6 submitters: Likely pathogenic (3); Uncertain significance (3). Last evaluated 2026-05-29.

Conditions:
Perrault syndrome 2 (PRLTS2). Identifiers: Orphanet 2855, Orphanet 642976, MedGen C3554105, MONDO:0013972, OMIM 614926.
HARS2-related disorders.
HARS2-related disorder. Also called: HARS2-related condition.

gnomAD v4.1: 129 of 1,610,126 alleles (0.008%); highest among the groups gnomAD compares: Non-Finnish European, 0.01%; no homozygotes.

Submissions (6):

GeneDx
Classification: Likely pathogenic. Last evaluated: 2026-05-29. Review status: criteria provided, single submitter. Criteria: GeneDx Variant Classification Process June 2021. Collection method: clinical testing. Allele origin: germline.
Comment: Has not been previously published as pathogenic or benign to our knowledge; Not observed at significant frequency in large population cohorts (gnomAD); Canonical splice site variant predicted to result in an in-frame loss of the adjacent exon in a gene for which loss of function is a known mechanism of disease

PreventionGenetics, part of Exact Sciences
Classification: Uncertain significance for HARS2-related condition. Last evaluated: 2025-01-25. Review status: criteria provided, single submitter. Criteria: ACMG Guidelines, 2015. Collection method: clinical testing. Allele origin: germline.
Comment: The HARS2 c.634-2A>G variant is predicted to disrupt the AG splice acceptor site and interfere with normal splicing. To our knowledge, this variant has not been reported in the literature. This variant is reported in 0.0035% of alleles in individuals of European (Non-Finnish) descent in gnomAD. Although we suspect that this variant may be pathogenic, at this time, the clinical significance of this variant is uncertain due to the absence of conclusive functional and genetic evidence.

CeGaT Center for Human Genetics Tuebingen
Classification: Uncertain significance. Last evaluated: 2024-12-01. Review status: criteria provided, single submitter. Criteria: CeGaT Center For Human Genetics Tuebingen Variant Classification Criteria Version 2. Collection method: clinical testing. Allele origin: germline. Affected: yes. Observed: 1 variant allele.
Comment: HARS2: PM2

Labcorp Genetics (formerly Invitae), Labcorp
Classification: Likely pathogenic. Last evaluated: 2024-06-21. Review status: criteria provided, single submitter. Criteria: Invitae Variant Classification Sherloc (09022015). Collection method: clinical testing. Allele origin: germline.
Comment: This sequence change affects an acceptor splice site in intron 6 of the HARS2 gene. It is expected to disrupt RNA splicing. Variants that disrupt the donor or acceptor splice site typically lead to a loss of protein function (PMID: 16199547), and loss-of-function variants in HARS2 are known to be pathogenic (PMID: 31827252). This variant is present in population databases (rs751859979, gnomAD 0.003%). This variant has not been reported in the literature in individuals affected with HARS2-related conditions. Algorithms developed to predict the effect of sequence changes on RNA splicing suggest that this variant may disrupt the consensus splice site. In summary, the currently available evidence indicates that the variant is pathogenic, but additional data are needed to prove that conclusively. Therefore, this variant has been classified as Likely Pathogenic.

Department of Pathology and Laboratory Medicine, Sinai Health System
Classification: Uncertain significance for Perrault syndrome 2. Last evaluated: 2023-01-11. Review status: criteria provided, single submitter. Criteria: ACMG Guidelines, 2015. Collection method: research. Allele origin: germline.

Blueprint Genetics
Classification: Likely pathogenic for HARS2-related disorders. Last evaluated: 2019-11-14. Review status: criteria provided, single submitter. Criteria: ACMG Guidelines, 2015. Collection method: clinical testing. Allele origin: germline. Affected: yes. Observed: 5 variant alleles.

Literature cited by the submitters: PubMed 16199547 (cited by Labcorp Genetics (formerly Invitae), Labcorp); PubMed 31827252 (cited by Labcorp Genetics (formerly Invitae), Labcorp).

NM_012208.4(HARS2):c.634-2A>G

Gene: HARS2 (histidyl-tRNA synthetase 2, mitochondrial; plus strand). Cytogenetic location: 5q31.3.
Variant type: single nucleotide variant.
Coding change: c.634-2A>G on transcript NM_012208.4 (MANE Select); the canonical splice acceptor site of the intron before coding-DNA position 634, A replaced by G.
Molecular consequence: splice acceptor variant.
Genome position (GRCh38, 1-based): chr5:140,696,101, A>G. VCF-style: chr5-140696101-A-G. GRCh37 (hg19) VCF-style: chr5-140075686-A-G.
Other names: c.202-2A>G (NM_001278732.2); c.652-2A>G (NM_001363535.2); c.559-2A>G (NM_001278731.2); c.424-2A>G (NM_001363536.2); c.634-2A>G (NM_012208.3).
Identifiers: ClinVar variation 3711639 (VCV003711639.20).